The following is an entry in ClinVar:

ClinVar aggregate classification (germline): Pathogenic. Review status: criteria provided, multiple submitters, no conflicts (2 of 4 stars). 2 submissions from 2 submitters: Pathogenic (2). Last evaluated 2020-10-19.

Conditions:
DICER1-related tumor predisposition. Also called: DICER1-related pleuropulmonary blastoma cancer predisposition syndrome; DICER1 syndrome. Identifiers: Orphanet 284343, MedGen C3839822, MONDO:0100216.
Hereditary cancer-predisposing syndrome. Also called: Hereditary neoplastic syndrome; Tumor predisposition; Neoplastic Syndromes, Hereditary; Hereditary Cancer Syndrome. Identifiers: Orphanet 140162, MedGen C0027672, MeSH D009386, MONDO:0015356.

Submissions (2):

Labcorp Genetics (formerly Invitae), Labcorp
Classification: Pathogenic for DICER1-related tumor predisposition. Last evaluated: 2020-10-19. Review status: criteria provided, single submitter. Criteria: Invitae Variant Classification Sherloc (09022015). Collection method: clinical testing. Allele origin: germline.
Comment: This sequence change creates a premature translational stop signal (p.Glu416*) in the DICER1 gene. It is expected to result in an absent or disrupted protein product. This variant is not present in population databases (ExAC no frequency). This variant has not been reported in the literature in individuals with DICER1-related conditions. ClinVar contains an entry for this variant (Variation ID: 429151). Loss-of-function variants in DICER1 are known to be pathogenic (PMID: 19556464, 21266384). For these reasons, this variant has been classified as Pathogenic.

Ambry Genetics
Classification: Pathogenic for Hereditary cancer-predisposing syndrome. Last evaluated: 2016-08-23. Review status: criteria provided, single submitter. Criteria: Ambry Variant Classification Scheme 2023. Collection method: clinical testing. Allele origin: germline.
Comment: The p.E416* pathogenic mutation (also known as c.1246G>T), located in coding exon 7 of the DICER1 gene, results from a G to T substitution at nucleotide position 1246. This changes the amino acid from a glutamic acid to a stop codon within coding exon 7. This alteration is expected to result in loss of function by premature protein truncation or nonsense-mediated mRNA decay. As such, this alteration is interpreted as a disease-causing mutation.

Literature cited by the submitters: PubMed 19556464 (cited by Labcorp Genetics (formerly Invitae), Labcorp); PubMed 21266384 (cited by Labcorp Genetics (formerly Invitae), Labcorp).

NM_177438.3(DICER1):c.1246G>T (p.Glu416Ter)

Gene: DICER1 (dicer 1, ribonuclease III; minus strand). Cytogenetic location: 14q32.13.
Variant type: single nucleotide variant.
Coding change: c.1246G>T on transcript NM_177438.3 (MANE Select); coding-DNA position 1246, G replaced by T.
Protein change: p.Glu416Ter; replaces glutamic acid 416 with a stop codon.
Molecular consequence: nonsense.
Genome position (GRCh38, 1-based): chr14:95,124,326, C>A on the plus strand (G>T on the coding strand, the complement: DICER1 is on the minus strand). VCF-style: chr14-95124326-C-A. GRCh37 (hg19) VCF-style: chr14-95590663-C-A.
Other names: c.1246G>T, p.Glu416Ter (NM_001195573.1, NM_001271282.3, NM_001291628.2 and 1 more transcripts); short protein forms E416*.
Identifiers: ClinVar variation 429151 (VCV000429151.13), dbSNP rs1131691220, ClinGen allele CA390886520.